The following is an entry in ClinVar:

NM_014391.3(ANKRD1):c.490G>A (p.Gly164Arg)

Gene: ANKRD1 (ankyrin repeat domain 1; minus strand). Cytogenetic location: 10q23.31.
Variant type: single nucleotide variant.
Coding change: c.490G>A on transcript NM_014391.3 (MANE Select); coding-DNA position 490, G replaced by A.
Protein change: p.Gly164Arg; replaces glycine 164 with arginine.
Molecular consequence: missense variant.
Genome position (GRCh38, 1-based): chr10:90,917,794, C>T on the plus strand (G>A on the coding strand, the complement: ANKRD1 is on the minus strand). VCF-style: chr10-90917794-C-T. GRCh37 (hg19) VCF-style: chr10-92677551-C-T.
Other names: short protein forms G164R.
Identifiers: ClinVar variation 4053900 (VCV004053900.1).

ClinVar aggregate classification (germline): Uncertain significance (1 of 4 stars; one submission).

Conditions:
Cardiovascular phenotype. Identifiers: MedGen CN230736.

gnomAD v4.1: 1 of 1,613,914 alleles (0.000062%); highest among the groups gnomAD compares: Non-Finnish European, 0.000085%; no homozygotes.

Submission:

Ambry Genetics
Classification: Uncertain significance for Cardiovascular phenotype. Last evaluated: 2025-06-01. Review status: criteria provided, single submitter. Criteria: Ambry Variant Classification Scheme 2023. Collection method: clinical testing. Allele origin: germline.
Comment: The p.G164R variant (also known as c.490G>A), located in coding exon 5 of the ANKRD1 gene, results from a G to A substitution at nucleotide position 490. The glycine at codon 164 is replaced by arginine, an amino acid with dissimilar properties. This amino acid position is conserved. In addition, this alteration is predicted to be deleterious by in silico analysis. Based on the available evidence, the clinical significance of this variant remains unclear.